The following is an entry in ClinVar:

NM_025179.4(PLXNA2):c.2047C>A (p.His683Asn)

Gene: PLXNA2 (plexin A2; minus strand). Cytogenetic location: 1q32.2.
Variant type: single nucleotide variant.
Coding change: c.2047C>A on transcript NM_025179.4 (MANE Select); coding-DNA position 2047, C replaced by A.
Protein change: p.His683Asn; replaces histidine 683 with asparagine.
Molecular consequence: missense variant.
Genome position (GRCh38, 1-based): chr1:208,092,836, G>T on the plus strand (C>A on the coding strand, the complement: PLXNA2 is on the minus strand). VCF-style: chr1-208092836-G-T. GRCh37 (hg19) VCF-style: chr1-208266181-G-T.
Other names: c.2047C>A (NM_025179.3); short protein forms H683N.
Identifiers: ClinVar variation 1386372 (VCV001386372.12), dbSNP rs187454222, ClinGen allele CA1373639.

ClinVar aggregate classification (germline): Uncertain significance. Review status: criteria provided, multiple submitters, no conflicts (2 of 4 stars). 4 submissions from 4 submitters: Uncertain significance (4). Last evaluated 2025-03-14.

Conditions:
PLXNA2-related disorder. Also called: PLXNA2-related condition.

Allele frequency attached by ClinVar (database versions not stated): gnomAD exomes 0.00002; ExAC 0.00004; 1000 Genomes Project 30x 0.00016; 1000 Genomes Project 0.00020.
gnomAD v4.1: 79 of 1,613,918 alleles (0.0049%); highest among the groups gnomAD compares: Middle Eastern, 0.033%; 1 homozygote.

Submissions (4):

PreventionGenetics, part of Exact Sciences
Classification: Uncertain significance for PLXNA2-related condition. Last evaluated: 2025-03-14. Review status: criteria provided, single submitter. Criteria: ACMG Guidelines, 2015. Collection method: clinical testing. Allele origin: germline.
Comment: The PLXNA2 c.2047C>A variant is predicted to result in the amino acid substitution p.His683Asn. To our knowledge, this variant has not been reported in the literature. This variant is reported in 0.011% of alleles in individuals of Latino descent in gnomAD. At this time, the clinical significance of this variant is uncertain due to the absence of conclusive functional and genetic evidence.

Labcorp Genetics (formerly Invitae), Labcorp
Classification: Uncertain significance. Last evaluated: 2024-07-08. Review status: criteria provided, single submitter. Criteria: Invitae Variant Classification Sherloc (09022015). Collection method: clinical testing. Allele origin: germline.
Comment: This sequence change replaces histidine, which is basic and polar, with asparagine, which is neutral and polar, at codon 683 of the PLXNA2 protein (p.His683Asn). This variant is present in population databases (rs187454222, gnomAD 0.009%). This variant has not been reported in the literature in individuals affected with PLXNA2-related conditions. ClinVar contains an entry for this variant (Variation ID: 1386372). Advanced modeling of protein sequence and biophysical properties (such as structural, functional, and spatial information, amino acid conservation, physicochemical variation, residue mobility, and thermodynamic stability) performed at Invitae indicates that this missense variant is not expected to disrupt PLXNA2 protein function with a negative predictive value of 80%. In summary, the available evidence is currently insufficient to determine the role of this variant in disease. Therefore, it has been classified as a Variant of Uncertain Significance.

Ambry Genetics
Classification: Uncertain significance. Last evaluated: 2023-09-26. Review status: criteria provided, single submitter. Criteria: Ambry Variant Classification Scheme 2023. Collection method: clinical testing. Allele origin: germline.

Breakthrough Genomics
Classification: Uncertain significance. Review status: criteria provided, single submitter. Criteria: ACMG Guidelines, 2015. Collection method: not provided. Allele origin: germline. Inheritance: Unknown mechanism. Affected: yes.